The following is an entry in ClinVar:

NM_001378615.1(CC2D2A):c.1596del (p.Val533fs)

Genes: CC2D2A (coiled-coil and C2 domain containing 2A; plus strand), FBXL5 (F-box and leucine rich repeat protein 5; minus strand). Cytogenetic location: 4p15.32.
Variant type: Deletion.
Coding change: c.1596del on transcript NM_001378615.1 (MANE Select); coding-DNA position 1596, one base deleted (T; older notation c.1596delT).
Protein change: p.Val533fs; shifts the reading frame from valine 533.
Molecular consequence: frameshift variant.
Genome position (GRCh38, 1-based): chr4:15,533,322, T deleted; the last of 2 consecutive T bases (chr4:15,533,321-15,533,322); deleting either gives the same sequence. VCF-style (leftmost placement, unchanged base first): chr4-15533320-CT-C. GRCh37 (hg19) VCF-style: chr4-15534943-CT-C.
Other names: c.1596del, p.Val533fs (NM_001080522.2); c.1449del, p.Val484fs (NM_001378617.1); short protein forms V484fs, V533fs.
Identifiers: ClinVar variation 2943505 (VCV002943505.5), dbSNP rs2474966060, ClinGen allele CA2740091228.

ClinVar aggregate classification (germline): Pathogenic/Likely pathogenic. Review status: criteria provided, multiple submitters, no conflicts (2 of 4 stars). 2 submissions from 2 submitters: Pathogenic (1); Likely pathogenic (1). Last evaluated 2023-03-18.

Conditions:
Joubert syndrome. Also called: JOUBERT-BOLTSHAUSER SYNDROME; Familial aplasia of the vermis. Identifiers: Orphanet 475, MedGen C5979921, MONDO:0018772.
Meckel-Gruber syndrome. Also called: DYSENCEPHALIA SPLANCHNOCYSTICA; GRUBER SYNDROME; Dysencephalia splachnocystica. Identifiers: Orphanet 564, MedGen C0265215, MONDO:0018921.
Meckel syndrome, type 6. Identifiers: Orphanet 564, MedGen C2676790, MONDO:0012848, OMIM 612284.
COACH syndrome 2. Identifiers: MedGen C5436837, MONDO:0030859, OMIM 619111.
Joubert syndrome 9 (JBTS9). Identifiers: Orphanet 2318, MedGen C2676788, MONDO:0012849, OMIM 612285.
Retinitis pigmentosa 93. Identifiers: MedGen C5676970, MONDO:0030797, OMIM 619845.

Submissions (2):

Labcorp Genetics (formerly Invitae), Labcorp
Classification: Pathogenic for Joubert syndrome; Meckel-Gruber syndrome. Last evaluated: 2023-03-18. Review status: criteria provided, single submitter. Criteria: Invitae Variant Classification Sherloc (09022015). Collection method: clinical testing. Allele origin: germline.
Comment: This sequence change creates a premature translational stop signal (p.Val533Phefs*2) in the CC2D2A gene. It is expected to result in an absent or disrupted protein product. Loss-of-function variants in CC2D2A are known to be pathogenic (PMID: 19777577). For these reasons, this variant has been classified as Pathogenic. This variant has not been reported in the literature in individuals affected with CC2D2A-related conditions. This variant is not present in population databases (gnomAD no frequency).

Juno Genomics, Hangzhou Juno Genomics, Inc
Classification: Likely pathogenic for COACH syndrome 2; Joubert syndrome 9; Meckel syndrome, type 6; Retinitis pigmentosa 93. Review status: criteria provided, single submitter. Criteria: ACMG Guidelines, 2015. Collection method: clinical testing. Allele origin: germline.
Comment: Null variant in a gene where loss of function (LOF) is a known mechanism of disease.;Absent from controls (or at extremely low frequency if recessive) in Genome Aggregation Database.

Literature cited by the submitters: PubMed 19777577 (cited by Labcorp Genetics (formerly Invitae), Labcorp).